The following is an entry in ClinVar:

ClinVar aggregate classification (germline): Likely benign. Review status: criteria provided, multiple submitters, no conflicts (2 of 4 stars). 2 submissions from 2 submitters: Likely benign (2). Last evaluated 2022-09-14.

Submissions (2):

Labcorp Genetics (formerly Invitae), Labcorp
Classification: Likely benign. Last evaluated: 2022-09-14. Review status: criteria provided, single submitter. Criteria: Invitae Variant Classification Sherloc (09022015). Collection method: clinical testing. Allele origin: germline.

GeneDx
Classification: Likely benign. Last evaluated: 2017-11-10. Review status: criteria provided, single submitter. Criteria: GeneDx Variant Classification (06012015). Collection method: clinical testing. Allele origin: germline. Affected: yes.
Comment: This variant is considered likely benign or benign based on one or more of the following criteria: it is a conservative change, it occurs at a poorly conserved position in the protein, it is predicted to be benign by multiple in silico algorithms, and/or has population frequency not consistent with disease.

NM_001384474.1(LOXHD1):c.2448T>C (p.Tyr816=)

Gene: LOXHD1 (lipoxygenase homology PLAT domains 1; minus strand). Cytogenetic location: 18q21.1.
Variant type: single nucleotide variant.
Coding change: c.2448T>C on transcript NM_001384474.1 (MANE Select); coding-DNA position 2448, T replaced by C.
Protein change: p.Tyr816=; no amino-acid change (tyrosine 816 retained).
Molecular consequence: synonymous variant.
Genome position (GRCh38, 1-based): chr18:46,563,215, A>G on the plus strand (T>C on the coding strand, the complement: LOXHD1 is on the minus strand). VCF-style: chr18-46563215-A-G. GRCh37 (hg19) VCF-style: chr18-44143178-A-G.
Other names: c.2448T>C, p.Tyr816= (NM_144612.7).
Identifiers: ClinVar variation 512697 (VCV000512697.5), dbSNP rs1555680579, ClinGen allele CA658799042.